The following is an entry in ClinVar:

ClinVar aggregate classification (germline): Uncertain significance (1 of 4 stars; one submission).

gnomAD v4.1: 1 of 1,613,464 alleles (0.000062%); highest among the groups gnomAD compares: Non-Finnish European, 0.000085%; no homozygotes.

Submission:

Ambry Genetics
Classification: Uncertain significance. Last evaluated: 2025-03-03. Review status: criteria provided, single submitter. Criteria: Ambry Variant Classification Scheme 2023. Collection method: clinical testing. Allele origin: germline.
Comment: The p.A1319D variant (also known as c.3956C>A), located in coding exon 18 of the WNK2 gene, results from a C to A substitution at nucleotide position 3956. The alanine at codon 1319 is replaced by aspartic acid, an amino acid with dissimilar properties. This amino acid position is conserved. In addition, the in silico prediction for this alteration is inconclusive. Based on the available evidence, the clinical significance of this variant remains unclear.

NM_006648.4(WNK2):c.3956C>A (p.Ala1319Asp)

Gene: WNK2 (WNK lysine deficient protein kinase 2; plus strand). Cytogenetic location: 9q22.31.
Variant type: single nucleotide variant.
Coding change: c.3956C>A on transcript NM_006648.4 (MANE Select); coding-DNA position 3956, C replaced by A.
Protein change: p.Ala1319Asp; replaces alanine 1319 with aspartic acid.
Molecular consequence: missense variant.
Genome position (GRCh38, 1-based): chr9:93,268,669, C>A. VCF-style: chr9-93268669-C-A. GRCh37 (hg19) VCF-style: chr9-96030951-C-A.
Other names: c.3956C>A, p.Ala1319Asp (NM_001282394.3); short protein forms A1319D.
Identifiers: ClinVar variation 3817204 (VCV003817204.1).